The following is an entry in ClinVar:

NM_000384.3(APOB):c.1186del (p.Gln396fs)

Gene: APOB (apolipoprotein B; minus strand). Cytogenetic location: 2p24.1.
Variant type: Deletion.
Coding change: c.1186del on transcript NM_000384.3 (MANE Select); coding-DNA position 1186, one base deleted (C; older notation c.1186delC).
Protein change: p.Gln396fs; shifts the reading frame from glutamine 396.
Molecular consequence: frameshift variant.
Genome position (GRCh38, 1-based): chr2:21,032,520, G deleted on the plus strand (C on the coding strand, the reverse complement: APOB is on the minus strand); the first of 2 consecutive G bases (chr2:21,032,520-21,032,521); deleting either gives the same sequence. VCF-style (leftmost placement, unchanged base first): chr2-21032519-TG-T. GRCh37 (hg19) VCF-style: chr2-21255391-TG-T.
Other names: short protein forms Q396fs.
Identifiers: ClinVar variation 3759634 (VCV003759634.2).

ClinVar aggregate classification (germline): Pathogenic (1 of 4 stars; one submission).

Conditions:
Familial hypobetalipoproteinemia 1. Also called: APOB-Related Familial Hypobetalipoproteinemia; Hypobetalipoproteinemia, normotriglyceridemic; Acanthocytosis with hypobetalipoproteinemia. Identifiers: MedGen C4551990, MONDO:0014252, OMIM 615558.
Hypercholesterolemia, autosomal dominant, type B (FHCL2). Also called: Familial Hypercholesterolemia Type B; APOLIPOPROTEIN B-100, FAMILIAL DEFECTIVE; APOLIPOPROTEIN B-100, FAMILIAL LIGAND-DEFECTIVE; HYPERCHOLESTEROLEMIA, FAMILIAL, DUE TO LIGAND-DEFECTIVE APOLIPOPROTEIN B; Hyperlipoproteinemia Type IIb; Familial hypercholesterolemia 2. Identifiers: MedGen C1704417, MONDO:0007751, OMIM 144010.

Submission:

Labcorp Genetics (formerly Invitae), Labcorp
Classification: Pathogenic for Familial hypobetalipoproteinemia 1; Hypercholesterolemia, autosomal dominant, type B. Last evaluated: 2024-10-30. Review status: criteria provided, single submitter. Criteria: Invitae Variant Classification Sherloc (09022015). Collection method: clinical testing. Allele origin: germline.
Comment: This sequence change creates a premature translational stop signal (p.Gln396Serfs*3) in the APOB gene. It is expected to result in an absent or disrupted protein product. Loss-of-function variants in APOB are known to be pathogenic (PMID: 20032471). This variant is not present in population databases (gnomAD no frequency). This variant has not been reported in the literature in individuals affected with APOB-related conditions. For these reasons, this variant has been classified as Pathogenic.

Literature cited by the submitters: PubMed 20032471.